The following is an entry in ClinVar:

ClinVar aggregate classification (germline): Likely benign (1 of 4 stars; one submission).

Allele frequency attached by ClinVar (database versions not stated): ESP Exome Variant Server 0.00008; 1000 Genomes Project 30x 0.00016; 1000 Genomes Project 0.00020; ExAC 0.00032.
gnomAD v4.1: 507 of 1,613,592 alleles (0.031%); highest among the groups gnomAD compares: Non-Finnish European, 0.031%; 1 homozygote.

Submission:

CeGaT Center for Human Genetics Tuebingen
Classification: Likely benign. Last evaluated: 2024-04-01. Review status: criteria provided, single submitter. Criteria: CeGaT Center For Human Genetics Tuebingen Variant Classification Criteria Version 2. Collection method: clinical testing. Allele origin: germline. Affected: yes. Observed: 2 variant alleles.
Comment: KMT2C: BP4

NM_170606.3(KMT2C):c.1863T>A (p.Asn621Lys)

Gene: KMT2C (lysine methyltransferase 2C; minus strand). Cytogenetic location: 7q36.1.
Variant type: single nucleotide variant.
Coding change: c.1863T>A on transcript NM_170606.3 (MANE Select); coding-DNA position 1863, T replaced by A.
Protein change: p.Asn621Lys; replaces asparagine 621 with lysine.
Molecular consequence: missense variant.
Genome position (GRCh38, 1-based): chr7:152,248,571, A>T on the plus strand (T>A on the coding strand, the complement: KMT2C is on the minus strand). VCF-style: chr7-152248571-A-T. GRCh37 (hg19) VCF-style: chr7-151945656-A-T.
Other names: short protein forms N621K.
Identifiers: ClinVar variation 2673137 (VCV002673137.23), dbSNP rs182856324, ClinGen allele CA4581353.